The following is an entry in ClinVar:

NM_001012301.4(ARSI):c.776C>T (p.Ala259Val)

Gene: ARSI (arylsulfatase family member I; minus strand). Cytogenetic location: 5q32.
Variant type: single nucleotide variant.
Coding change: c.776C>T on transcript NM_001012301.4 (MANE Select); coding-DNA position 776, C replaced by T.
Protein change: p.Ala259Val; replaces alanine 259 with valine.
Molecular consequence: missense variant.
Genome position (GRCh38, 1-based): chr5:150,298,148, G>A on the plus strand (C>T on the coding strand, the complement: ARSI is on the minus strand). VCF-style: chr5-150298148-G-A. GRCh37 (hg19) VCF-style: chr5-149677711-G-A.
Other names: c.776C>T (NM_001012301.2); short protein forms A259V.
Identifiers: ClinVar variation 1982846 (VCV001982846.5), dbSNP rs776440347, ClinGen allele CA3510251.

ClinVar aggregate classification (germline): Uncertain significance. Review status: criteria provided, multiple submitters, no conflicts (2 of 4 stars). 2 submissions from 2 submitters: Uncertain significance (2). Last evaluated 2025-08-21.

Conditions:
Spastic paraplegia. Identifiers: MedGen C0037772, HP:0001258.

Allele frequency attached by ClinVar (database versions not stated): ExAC 0.00003; TOPMed 0.00003; gnomAD exomes 0.00005; gnomAD 0.00009.
gnomAD v4.1: 85 of 1,613,890 alleles (0.0053%); highest among the groups gnomAD compares: Non-Finnish European, 0.0067%; no homozygotes.

Submissions (2):

Labcorp Genetics (formerly Invitae), Labcorp
Classification: Uncertain significance for Spastic paraplegia. Last evaluated: 2025-08-21. Review status: criteria provided, single submitter. Criteria: Invitae Variant Classification Sherloc (09022015). Collection method: clinical testing. Allele origin: germline.
Comment: This sequence change replaces alanine, which is neutral and non-polar, with valine, which is neutral and non-polar, at codon 259 of the ARSI protein (p.Ala259Val). This variant is present in population databases (rs776440347, gnomAD 0.009%). This variant has not been reported in the literature in individuals affected with ARSI-related conditions. ClinVar contains an entry for this variant (Variation ID: 1982846). Invitae Evidence Modeling of protein sequence and biophysical properties (such as structural, functional, and spatial information, amino acid conservation, physicochemical variation, residue mobility, and thermodynamic stability) indicates that this missense variant is not expected to disrupt ARSI protein function with a negative predictive value of 80%. In summary, the available evidence is currently insufficient to determine the role of this variant in disease. Therefore, it has been classified as a Variant of Uncertain Significance.

Ambry Genetics
Classification: Uncertain significance. Last evaluated: 2023-12-14. Review status: criteria provided, single submitter. Criteria: Ambry Variant Classification Scheme 2023. Collection method: clinical testing. Allele origin: germline.